The following is an entry in ClinVar:

ClinVar aggregate classification (germline): Pathogenic (1 of 4 stars; one submission).

Conditions:
Fanconi anemia (FA). Also called: Fanconi's anemia. Identifiers: Orphanet 84, MedGen C0015625, MeSH D005199, MONDO:0019391.

Allele frequency attached by ClinVar (database versions not stated): gnomAD exomes below 0.00001.
gnomAD v4.1: 1 of 1,614,178 alleles (0.000062%); highest among the groups gnomAD compares: Admixed American, 0.0017%; no homozygotes.

Submission:

Labcorp Genetics (formerly Invitae), Labcorp
Classification: Pathogenic for Fanconi anemia. Last evaluated: 2020-12-23. Review status: criteria provided, single submitter. Criteria: Invitae Variant Classification Sherloc (09022015). Collection method: clinical testing. Allele origin: germline.
Comment: For these reasons, this variant has been classified as Pathogenic. This variant has not been reported in the literature in individuals with SLX4-related conditions. This variant is not present in population databases (ExAC no frequency). This sequence change creates a premature translational stop signal (p.Trp128*) in the SLX4 gene. It is expected to result in an absent or disrupted protein product. Loss-of-function variants in SLX4 are known to be pathogenic (PMID: 21240277).

Literature cited by the submitters: PubMed 21240277.

NM_032444.4(SLX4):c.383G>A (p.Trp128Ter)

Gene: SLX4 (SLX4 structure-specific endonuclease subunit; minus strand). Cytogenetic location: 16p13.3.
Variant type: single nucleotide variant.
Coding change: c.383G>A on transcript NM_032444.4 (MANE Select); coding-DNA position 383, G replaced by A.
Protein change: p.Trp128Ter; replaces tryptophan 128 with a stop codon.
Molecular consequence: nonsense.
Genome position (GRCh38, 1-based): chr16:3,608,582, C>T on the plus strand (G>A on the coding strand, the complement: SLX4 is on the minus strand). VCF-style: chr16-3608582-C-T. GRCh37 (hg19) VCF-style: chr16-3658583-C-T.
Other names: short protein forms W128*.
Identifiers: ClinVar variation 1455275 (VCV001455275.6), dbSNP rs1193906930, ClinGen allele CA394547343.